The following is an entry in ClinVar:

ClinVar aggregate classification (germline): Uncertain significance. Review status: criteria provided, multiple submitters, no conflicts (2 of 4 stars). 2 submissions from 2 submitters: Uncertain significance (2). Last evaluated 2025-12-21.

Conditions:
RASopathy. Also called: Noonan spectrum disorder; rasopathies. Identifiers: Orphanet 536391, MedGen C5555857, MONDO:0021060.
Cardiovascular phenotype. Identifiers: MedGen CN230736.

gnomAD v4.1: 11 of 1,613,850 alleles (0.00068%); highest among the groups gnomAD compares: Non-Finnish European, 0.00085%; no homozygotes.

Submissions (2):

Labcorp Genetics (formerly Invitae), Labcorp
Classification: Uncertain significance for RASopathy. Last evaluated: 2025-12-21. Review status: criteria provided, single submitter. Criteria: Invitae Variant Classification Sherloc (09022015). Collection method: clinical testing. Allele origin: germline.
Comment: This sequence change replaces leucine, which is neutral and non-polar, with methionine, which is neutral and non-polar, at codon 122 of the CBL protein (p.Leu122Met). This variant is present in population databases (no rsID available, gnomAD 0.007%). This variant has not been reported in the literature in individuals affected with CBL-related conditions. ClinVar contains an entry for this variant (Variation ID: 3996042). Invitae Evidence Modeling of protein sequence and biophysical properties (such as structural, functional, and spatial information, amino acid conservation, physicochemical variation, residue mobility, and thermodynamic stability) has been performed for this missense variant. However, the output from this modeling did not meet the statistical confidence thresholds required to predict the impact of this variant on CBL protein function. In summary, the available evidence is currently insufficient to determine the role of this variant in disease. Therefore, it has been classified as a Variant of Uncertain Significance.

Ambry Genetics
Classification: Uncertain significance for Cardiovascular phenotype. Last evaluated: 2025-05-04. Review status: criteria provided, single submitter. Criteria: Ambry Variant Classification Scheme 2023. Collection method: clinical testing. Allele origin: germline.
Comment: The p.L122M variant (also known as c.364T>A), located in coding exon 2 of the CBL gene, results from a T to A substitution at nucleotide position 364. The leucine at codon 122 is replaced by methionine, an amino acid with highly similar properties. This amino acid position is conserved. In addition, this alteration is predicted to be deleterious by in silico analysis. Based on the available evidence, the clinical significance of this variant remains unclear.

NM_005188.4(CBL):c.364T>A (p.Leu122Met)

Gene: CBL (Cbl proto-oncogene; plus strand). Cytogenetic location: 11q23.3.
Variant type: single nucleotide variant.
Coding change: c.364T>A on transcript NM_005188.4 (MANE Select); coding-DNA position 364, T replaced by A.
Protein change: p.Leu122Met; replaces leucine 122 with methionine.
Molecular consequence: missense variant.
Genome position (GRCh38, 1-based): chr11:119,232,616, T>A. VCF-style: chr11-119232616-T-A. GRCh37 (hg19) VCF-style: chr11-119103326-T-A.
Other names: short protein forms L122M.
Identifiers: ClinVar variation 3996042 (VCV003996042.2).
Genomic context (GRCh38, chr11:119,232,616, plus strand): 5'-TATGAGGGGAAGATGGAGACACTTGGAGAAAATGAGTATTTTAGGGTGTTTATGGAGAAT[T>A]TGATGAAGAAAACTAAGCAAACCATAAGCCTCTTCAAGGAGGGAAAAGAAAGAATGTATG-3'
Protein context (NP_005179.2, residues 112-132): NEYFRVFMEN[Leu122Met]MKKTKQTISL